The following is an entry in ClinVar:

NM_000540.3(RYR1):c.11120G>T (p.Arg3707Leu)

Gene: RYR1 (ryanodine receptor 1; plus strand). Cytogenetic location: 19q13.2.
Variant type: single nucleotide variant.
Coding change: c.11120G>T on transcript NM_000540.3 (MANE Select); coding-DNA position 11120, G replaced by T.
Protein change: p.Arg3707Leu; replaces arginine 3707 with leucine.
Molecular consequence: missense variant.
Genome position (GRCh38, 1-based): chr19:38,529,036, G>T. VCF-style: chr19-38529036-G-T. GRCh37 (hg19) VCF-style: chr19-39019676-G-T.
Other names: c.11120G>T (NM_000540.2); c.11105G>T, p.Arg3702Leu (NM_001042723.2); short protein forms R3707L, R3702L.
Identifiers: ClinVar variation 133005 (VCV000133005.4), dbSNP rs193922838, ClinGen allele CA023886.

ClinVar aggregate classification (germline): Uncertain significance. Review status: reviewed by expert panel (3 of 4 stars). 2 submissions from 2 submitters: Uncertain significance (1). 1 of the submissions does not count toward it. Last evaluated 2025-08-01.

Conditions:
Malignant hyperthermia, susceptibility to, 1 (MHS1). Also called: RYR1-Related Malignant Hyperthermia Susceptibility; Malignant hyperthermia suceptibility 1; Anesthesia related hyperthermia; Malignant hyperpyrexia; Fulminating hyperpyrexia; Pharmacogenic myopathy. Identifiers: Orphanet 423, MedGen C2930980, MONDO:0007783, OMIM 145600.

Submissions (2):

ClinGen Malignant Hyperthermia Susceptibility Variant Curation Expert Panel, ClinGen
Classification: Uncertain significance for Malignant hyperthermia, susceptibility to, 1. Last evaluated: 2025-08-01. Review status: reviewed by expert panel. Criteria: ClinGen MHS ACMG Specifications V2. Collection method: curation. Allele origin: germline. Inheritance: Autosomal dominant inheritance.
Comment: This pathogenicity assessment is relevant only for malignant hyperthermia susceptibility (MHS) inherited in an autosomal dominant pattern. Variants in RYR1 can also cause other myopathies inherited in an autosomal dominant pattern or in an autosomal recessive pattern. Some of these disorders may predispose individuals to malignant hyperthermia. RYR1 variants may also contribute to a malignant hyperthermia reaction in combination with other genetic and non-genetic factors and the clinician needs to consider such factors in making management decisions. This sequence variant predicts a substitution of arginine with leucine at codon 3707 of the RYR1 protein, p.(Arg3707Leu). This variant was not present in a large population database (gnomAD) at the time this variant was interpreted. This variant has been reported in an individual described as having malignant hyperthermia (MH) without clear details on personal or family history of an MH episode or in vitro contracture test (IVCT) or caffeine halothane contracture test (CHCT) results (PMID:16917943). No functional studies were identified for this variant. This variant does not reside in a hotspot for pathogenic variants that contribute to MHS. A REVEL score >0.85 (0.906) supports a pathogenic status for this variant, PP3_Moderate. This variant has been classified as a Variant of Unknown Significance. Criteria implemented: PP3_Moderate.

RYR1 database
No classification provided. Review status: no classification provided. Collection method: not provided. Allele origin: unknown. Not counted in ClinVar's aggregate classification.